The following is an entry in ClinVar:

NM_001267550.2(TTN):c.101117T>C (p.Val33706Ala)

Genes: TTN-AS1 (TTN antisense RNA 1; plus strand), TTN (titin; minus strand). Cytogenetic location: 2q31.2.
Variant type: single nucleotide variant.
Coding change: c.101117T>C on transcript NM_001267550.2 (MANE Select); coding-DNA position 101117, T replaced by C.
Protein change: p.Val33706Ala; replaces valine 33706 with alanine.
Molecular consequence: missense variant.
Genome position (GRCh38, 1-based): chr2:178,535,498, A>G on the plus strand (T>C on the coding strand, the complement: TTN is on the minus strand). VCF-style: chr2-178535498-A-G. GRCh37 (hg19) VCF-style: chr2-179400225-A-G.
Other names: c.96194T>C, p.Val32065Ala (NM_001256850.1); c.73922T>C, p.Val24641Ala (NM_003319.4); c.93413T>C, p.Val31138Ala (NM_133378.4); c.74297T>C, p.Val24766Ala (NM_133432.3); c.74498T>C, p.Val24833Ala (NM_133437.4); short protein forms V24766A, V24833A, V33706A, V31138A, V24641A, V32065A.
Identifiers: ClinVar variation 653980 (VCV000653980.9), dbSNP rs1261733710, ClinGen allele CA349421666.

ClinVar aggregate classification (germline): Uncertain significance (1 of 4 stars; one submission).

Conditions:
Autosomal recessive limb-girdle muscular dystrophy type 2J (LGMDR10). Also called: Limb-girdle muscular dystrophy, type 2J; MUSCULAR DYSTROPHY, LIMB-GIRDLE, AUTOSOMAL RECESSIVE 10. Identifiers: Orphanet 140922, MedGen C1837342, MONDO:0012127, OMIM 608807.
Dilated cardiomyopathy 1G (CMD1G). Identifiers: Orphanet 154, MedGen C1858763, MONDO:0011400, OMIM 604145.

Allele frequency attached by ClinVar (database versions not stated): gnomAD exomes below 0.00001.
gnomAD v4.1: 3 of 1,613,852 alleles (0.00019%); highest among the groups gnomAD compares: Non-Finnish European, 0.00025%; no homozygotes.

Submission:

Labcorp Genetics (formerly Invitae), Labcorp
Classification: Uncertain significance for Dilated cardiomyopathy 1G; Autosomal recessive limb-girdle muscular dystrophy type 2J. Last evaluated: 2024-06-24. Review status: criteria provided, single submitter. Criteria: Invitae Variant Classification Sherloc (09022015). Collection method: clinical testing. Allele origin: germline.
Comment: This sequence change replaces valine, which is neutral and non-polar, with alanine, which is neutral and non-polar, at codon 33706 of the TTN protein (p.Val33706Ala). This variant is present in population databases (no rsID available, gnomAD 0.0009%). This variant has not been reported in the literature in individuals affected with TTN-related conditions. ClinVar contains an entry for this variant (Variation ID: 653980). Experimental studies and prediction algorithms are not available or were not evaluated, and the functional significance of this variant is currently unknown. This variant is located in the M band of TTN (PMID: 25589632). Non-truncating variants in this region may be relevant for neuromuscular disorders, but have not been definitively shown to cause cardiomyopathy (PMID: 23975875). In summary, the available evidence is currently insufficient to determine the role of this variant in disease. Therefore, it has been classified as a Variant of Uncertain Significance.

Literature cited by the submitters: PubMed 25589632; PubMed 23975875.